The following is an entry in ClinVar:

ClinVar aggregate classification (germline): Uncertain significance. Review status: criteria provided, multiple submitters, no conflicts (2 of 4 stars). 2 submissions from 2 submitters: Uncertain significance (2). Last evaluated 2025-01-08.

Conditions:
Inborn genetic diseases. Identifiers: MedGen C0950123, MeSH D030342.
Pitt-Hopkins-like syndrome 2 (PTHSL2). Identifiers: Orphanet 221150, Orphanet 600663, MedGen C3280479, MONDO:0013690, OMIM 614325.

Allele frequency attached by ClinVar (database versions not stated): gnomAD exomes below 0.00001 and 0.00001; ExAC 0.00001; TOPMed 0.00001.
gnomAD v4.1: 3 of 1,613,722 alleles (0.00019%); highest among the groups gnomAD compares: Non-Finnish European, 0.00017%; no homozygotes.

Submissions (2):

Labcorp Genetics (formerly Invitae), Labcorp
Classification: Uncertain significance for Pitt-Hopkins-like syndrome 2. Last evaluated: 2025-01-08. Review status: criteria provided, single submitter. Criteria: Invitae Variant Classification Sherloc (09022015). Collection method: clinical testing. Allele origin: germline.
Comment: This sequence change replaces threonine, which is neutral and polar, with asparagine, which is neutral and polar, at codon 600 of the NRXN1 protein (p.Thr600Asn). This variant is present in population databases (rs200332295, gnomAD 0.002%). This variant has not been reported in the literature in individuals affected with NRXN1-related conditions. ClinVar contains an entry for this variant (Variation ID: 472639). An algorithm developed to predict the effect of missense changes on protein structure and function (PolyPhen-2) suggests that this variant is likely to be tolerated. In summary, the available evidence is currently insufficient to determine the role of this variant in disease. Therefore, it has been classified as a Variant of Uncertain Significance.

Ambry Genetics
Classification: Uncertain significance for Inborn genetic diseases. Last evaluated: 2022-11-18. Review status: criteria provided, single submitter. Criteria: Ambry Variant Classification Scheme 2023. Collection method: clinical testing. Allele origin: germline.

NM_001330078.2(NRXN1):c.1679C>A (p.Thr560Asn)

Gene: NRXN1 (neurexin 1; minus strand). Cytogenetic location: 2p16.3.
Variant type: single nucleotide variant.
Coding change: c.1679C>A on transcript NM_001330078.2 (MANE Select); coding-DNA position 1679, C replaced by A.
Protein change: p.Thr560Asn; replaces threonine 560 with asparagine.
Molecular consequence: missense variant.
Genome position (GRCh38, 1-based): chr2:50,552,667, G>T on the plus strand (C>A on the coding strand, the complement: NRXN1 is on the minus strand). VCF-style: chr2-50552667-G-T. GRCh37 (hg19) VCF-style: chr2-50779805-G-T.
Other names: c.1799C>A, p.Thr600Asn (NM_001135659.3); c.1655C>A, p.Thr552Asn (NM_001330077.2, NM_001330082.2, NM_001330095.2); c.1640C>A, p.Thr547Asn (NM_001330083.2, NM_001330084.2); c.1679C>A, p.Thr560Asn (NM_001330085.2, NM_001330086.2, NM_004801.6); c.1595C>A, p.Thr532Asn (NM_001330087.2, NM_001330096.2); c.1625C>A, p.Thr542Asn (NM_001330088.2); c.1676C>A, p.Thr559Asn (NM_001330093.2); c.1667C>A, p.Thr556Asn (NM_001330094.2); short protein forms T600N, T532N, T542N, T547N, T552N, T559N, T560N, T556N.
Identifiers: ClinVar variation 472639 (VCV000472639.9), dbSNP rs200332295, ClinGen allele CA1655005.